The following is an entry in ClinVar:

ClinVar aggregate classification (germline): Likely benign (1 of 4 stars; one submission).

Allele frequency attached by ClinVar (database versions not stated): gnomAD exomes 0.00011; ExAC 0.00044; gnomAD 0.00124; 1000 Genomes Project 0.00240; 1000 Genomes Project 30x 0.00265.
gnomAD v4.1: 313 of 1,229,266 alleles (0.025%); highest among the groups gnomAD compares: African/African-American, 0.38%; 23 homozygotes.

Submission:

CeGaT Center for Human Genetics Tuebingen
Classification: Likely benign. Last evaluated: 2023-04-01. Review status: criteria provided, single submitter. Criteria: CeGaT Center For Human Genetics Tuebingen Variant Classification Criteria Version 2. Collection method: clinical testing. Allele origin: germline. Affected: yes. Observed: 1 variant allele.
Comment: USP17L7: BS2

NM_001256869.2(USP17L7):c.380C>T (p.Thr127Ile)

Genes: FAM66D (family with sequence similarity 66 member D), USP17L7 (ubiquitin specific peptidase 17 like family member 7; minus strand). Cytogenetic location: 8p23.1.
Variant type: single nucleotide variant.
Coding change: c.380C>T on transcript NM_001256869.2 (MANE Select); coding-DNA position 380, C replaced by T.
Protein change: p.Thr127Ile; replaces threonine 127 with isoleucine.
Molecular consequence: missense variant.
Genome position (GRCh38, 1-based): chr8:12,133,630, G>A on the plus strand (C>T on the coding strand, the complement: USP17L7 is on the minus strand). VCF-style: chr8-12133630-G-A. GRCh37 (hg19) VCF-style: chr8-11991139-G-A.
Other names: short protein forms T127I.
Identifiers: ClinVar variation 2658419 (VCV002658419.24), dbSNP rs141419210, ClinGen allele CA4634445.
Genomic context (GRCh38, chr8:12,133,630, plus strand): 5'-TGTGAGGGCTGGATGACATGGCCAGGACTGTGGAGGGCCCATGTGATGTGAGCTTGCATA[G>A]TACAGAACATGCAGCACTTGTGAAGATGACACGTTTGAGAGTCCTCCCGGGACAGCATGT-3'
Protein context (NP_001243798.1, residues 117-137): CHLHKCCMFC[Thr127Ile]MQAHITWALH